The following is an entry in ClinVar:

NM_022765.4(MICAL1):c.359C>T (p.Ser120Phe)

Gene: MICAL1 (microtubule associated monooxygenase, calponin and LIM domain containing 1; minus strand). Cytogenetic location: 6q21.
Variant type: single nucleotide variant.
Coding change: c.359C>T on transcript NM_022765.4 (MANE Select); coding-DNA position 359, C replaced by T.
Protein change: p.Ser120Phe; replaces serine 120 with phenylalanine.
Molecular consequence: missense variant.
Genome position (GRCh38, 1-based): chr6:109,453,745, G>A on the plus strand (C>T on the coding strand, the complement: MICAL1 is on the minus strand). VCF-style: chr6-109453745-G-A. GRCh37 (hg19) VCF-style: chr6-109774948-G-A.
Other names: c.359C>T, p.Ser120Phe (NM_001159291.2); c.416C>T, p.Ser139Phe (NM_001286613.2); short protein forms S139F, S120F.
Identifiers: ClinVar variation 1980499 (VCV001980499.4), dbSNP rs747384815, ClinGen allele CA3953808.
Genomic context (GRCh38, chr6:109,453,745, plus strand): 5'-GCACCGAGTGCCCGCAGGTCGTGGATGGTGAAGGGCCAGAGGTGGAGCACGTTGTGGCGA[G>A]AGAACTTGGTGCGCTTTTCCACCAGCACCACTCGGGCCCCCAGCAGCGCCAGCTCCACAG-3'
Protein context (NP_073602.3, residues 110-130): VVLVEKRTKF[Ser120Phe]RHNVLHLWPF

ClinVar aggregate classification (germline): Uncertain significance (1 of 4 stars; one submission).

Allele frequency attached by ClinVar (database versions not stated): gnomAD exomes below 0.00001; ExAC 0.00001; TOPMed 0.00001.
gnomAD v4.1: 4 of 1,613,786 alleles (0.00025%); highest among the groups gnomAD compares: Admixed American, 0.005%; no homozygotes.

Submission:

Labcorp Genetics (formerly Invitae), Labcorp
Classification: Uncertain significance. Last evaluated: 2025-03-11. Review status: criteria provided, single submitter. Criteria: Invitae Variant Classification Sherloc (09022015). Collection method: clinical testing. Allele origin: germline.
Comment: This sequence change replaces serine, which is neutral and polar, with phenylalanine, which is neutral and non-polar, at codon 139 of the MICAL1 protein (p.Ser139Phe). This variant is present in population databases (rs747384815, gnomAD 0.003%). This variant has not been reported in the literature in individuals affected with MICAL1-related conditions. ClinVar contains an entry for this variant (Variation ID: 1980499). An algorithm developed to predict the effect of missense changes on protein structure and function (PolyPhen-2) suggests that this variant is likely to be disruptive. In summary, the available evidence is currently insufficient to determine the role of this variant in disease. Therefore, it has been classified as a Variant of Uncertain Significance.